The following is an entry in ClinVar:

NM_001854.4(COL11A1):c.1786G>T (p.Ala596Ser)

Gene: COL11A1 (collagen type XI alpha 1 chain; minus strand). Cytogenetic location: 1p21.1.
Variant type: single nucleotide variant.
Coding change: c.1786G>T on transcript NM_001854.4 (MANE Select); coding-DNA position 1786, G replaced by T.
Protein change: p.Ala596Ser; replaces alanine 596 with serine.
Molecular consequence: missense variant. On other transcripts: non-coding transcript variant (1).
Genome position (GRCh38, 1-based): chr1:103,006,073, C>A on the plus strand (G>T on the coding strand, the complement: COL11A1 is on the minus strand). VCF-style: chr1-103006073-C-A. GRCh37 (hg19) VCF-style: chr1-103471629-C-A.
Other names: c.1669G>T, p.Ala557Ser (NM_001190709.2); c.1822G>T, p.Ala608Ser (NM_080629.3); c.1438G>T, p.Ala480Ser (NM_080630.4); short protein forms A557S, A608S, A480S, A596S.
Identifiers: ClinVar variation 1372782 (VCV001372782.8), dbSNP rs758567291, ClinGen allele CA341173771.

ClinVar aggregate classification (germline): Uncertain significance (1 of 4 stars; one submission).

Submission:

Labcorp Genetics (formerly Invitae), Labcorp
Classification: Uncertain significance. Last evaluated: 2022-02-04. Review status: criteria provided, single submitter. Criteria: Invitae Variant Classification Sherloc (09022015). Collection method: clinical testing. Allele origin: germline.
Comment: In summary, the available evidence is currently insufficient to determine the role of this variant in disease. Therefore, it has been classified as a Variant of Uncertain Significance. Advanced modeling of protein sequence and biophysical properties (such as structural, functional, and spatial information, amino acid conservation, physicochemical variation, residue mobility, and thermodynamic stability) performed at Invitae indicates that this missense variant is not expected to disrupt COL11A1 protein function. This variant has not been reported in the literature in individuals affected with COL11A1-related conditions. This variant is not present in population databases (gnomAD no frequency). This sequence change replaces alanine, which is neutral and non-polar, with serine, which is neutral and polar, at codon 596 of the COL11A1 protein (p.Ala596Ser).